The following is an entry in ClinVar:

ClinVar aggregate classification (germline): Uncertain significance (1 of 4 stars; one submission).

Submission:

Labcorp Genetics (formerly Invitae), Labcorp
Classification: Uncertain significance. Last evaluated: 2022-03-23. Review status: criteria provided, single submitter. Criteria: Invitae Variant Classification Sherloc (09022015). Collection method: clinical testing. Allele origin: germline.
Comment: Algorithms developed to predict the effect of missense changes on protein structure and function are either unavailable or do not agree on the potential impact of this missense change (SIFT: "Deleterious"; PolyPhen-2: "Probably Damaging"; Align-GVGD: "Class C0"). This variant has not been reported in the literature in individuals affected with LEMD3-related conditions. This variant is not present in population databases (gnomAD no frequency). This sequence change replaces proline, which is neutral and non-polar, with threonine, which is neutral and polar, at codon 193 of the LEMD3 protein (p.Pro193Thr). In summary, the available evidence is currently insufficient to determine the role of this variant in disease. Therefore, it has been classified as a Variant of Uncertain Significance.

NM_014319.5(LEMD3):c.577C>A (p.Pro193Thr)

Gene: LEMD3 (LEM domain containing 3; plus strand). Cytogenetic location: 12q14.3.
Variant type: single nucleotide variant.
Coding change: c.577C>A on transcript NM_014319.5 (MANE Select); coding-DNA position 577, C replaced by A.
Protein change: p.Pro193Thr; replaces proline 193 with threonine.
Molecular consequence: missense variant.
Genome position (GRCh38, 1-based): chr12:65,170,173, C>A. VCF-style: chr12-65170173-C-A. GRCh37 (hg19) VCF-style: chr12-65563953-C-A.
Other names: c.577C>A, p.Pro193Thr (NM_001167614.2); short protein forms P193T.
Identifiers: ClinVar variation 2114544 (VCV002114544.4), dbSNP rs867014682, ClinGen allele CA238907698.